The following is an entry in ClinVar:

NM_000079.4(CHRNA1):c.273C>G (p.Asp91Glu)

Gene: CHRNA1 (cholinergic receptor nicotinic alpha 1 subunit; minus strand). Cytogenetic location: 2q31.1.
Variant type: single nucleotide variant.
Coding change: c.273C>G on transcript NM_000079.4 (MANE Select); coding-DNA position 273, C replaced by G.
Protein change: p.Asp91Glu; replaces aspartic acid 91 with glutamic acid.
Molecular consequence: missense variant.
Genome position (GRCh38, 1-based): chr2:174,757,637, G>C on the plus strand (C>G on the coding strand, the complement: CHRNA1 is on the minus strand). VCF-style: chr2-174757637-G-C. GRCh37 (hg19) VCF-style: chr2-175622365-G-C.
Other names: c.348C>G, p.Asp116Glu (NM_001039523.3); short protein forms D116E, D91E.
Identifiers: ClinVar variation 1481878 (VCV001481878.6), dbSNP rs1684008402, ClinGen allele CA349343731.

ClinVar aggregate classification (germline): Uncertain significance (1 of 4 stars; one submission).

Conditions:
Lethal multiple pterygium syndrome (LMPS). Identifiers: Orphanet 33108, MedGen C1854678, MONDO:0009668, OMIM 253290.

Allele frequency attached by ClinVar (database versions not stated): gnomAD exomes below 0.00001.
gnomAD v4.1: 2 of 1,614,160 alleles (0.00012%); highest among the groups gnomAD compares: Non-Finnish European, 0.00017%; no homozygotes.

Submission:

Labcorp Genetics (formerly Invitae), Labcorp
Classification: Uncertain significance for Lethal multiple pterygium syndrome. Last evaluated: 2021-12-03. Review status: criteria provided, single submitter. Criteria: Invitae Variant Classification Sherloc (09022015). Collection method: clinical testing. Allele origin: germline.
Comment: This sequence change replaces aspartic acid, which is acidic and polar, with glutamic acid, which is acidic and polar, at codon 91 of the CHRNA1 protein (p.Asp91Glu). This variant is not present in population databases (gnomAD no frequency). This variant has not been reported in the literature in individuals affected with CHRNA1-related conditions. Advanced modeling of protein sequence and biophysical properties (such as structural, functional, and spatial information, amino acid conservation, physicochemical variation, residue mobility, and thermodynamic stability) performed at Invitae indicates that this missense variant is not expected to disrupt CHRNA1 protein function. Algorithms developed to predict the effect of sequence changes on RNA splicing suggest that this variant may create or strengthen a splice site. In summary, the available evidence is currently insufficient to determine the role of this variant in disease. Therefore, it has been classified as a Variant of Uncertain Significance.